The following is an entry in ClinVar:

NM_001378969.1(KCND3):c.1292G>T (p.Arg431Leu)

Gene: KCND3 (potassium voltage-gated channel subfamily D member 3; minus strand). Cytogenetic location: 1p13.2.
Variant type: single nucleotide variant.
Coding change: c.1292G>T on transcript NM_001378969.1 (MANE Select); coding-DNA position 1292, G replaced by T.
Protein change: p.Arg431Leu; replaces arginine 431 with leucine.
Molecular consequence: missense variant.
Genome position (GRCh38, 1-based): chr1:111,780,769, C>A on the plus strand (G>T on the coding strand, the complement: KCND3 is on the minus strand). VCF-style: chr1-111780769-C-A. GRCh37 (hg19) VCF-style: chr1-112323391-C-A.
Other names: c.1292G>T, p.Arg431Leu (NM_001378970.1, NM_004980.5, NM_172198.3); short protein forms R431L.
Identifiers: ClinVar variation 1504253 (VCV001504253.8), dbSNP rs771703569, ClinGen allele CA341659337.
Genomic context (GRCh38, chr1:111,780,769, plus strand): 5'-TTGAGGAGCCCGTTGCGCTTGCTGTGCAGGTATGCATTCGAACTGCCTGTTTTGGCCACA[C>A]GGATCCTGGCAAGGCGGGCCTTCTGTGATTGGCAGAGATAATAAAAGAATGAGGCAGACC-3'
Protein context (NP_001365898.1, residues 421-441): AQKKARLARI[Arg431Leu]VAKTGSSNAY

ClinVar aggregate classification (germline): Uncertain significance (1 of 4 stars; one submission).

Conditions:
Spinocerebellar ataxia type 19/22 (SCA19). Also called: SPINOCEREBELLAR ATAXIA 19; SPINOCEREBELLAR ATAXIA 22. Identifiers: Orphanet 98772, MedGen C1846367, MONDO:0011819, OMIM 607346.

gnomAD v4.1: 18 of 1,613,378 alleles (0.0011%); highest among the groups gnomAD compares: Non-Finnish European, 0.0015%; no homozygotes.

Submission:

Labcorp Genetics (formerly Invitae), Labcorp
Classification: Uncertain significance for Spinocerebellar ataxia type 19/22. Last evaluated: 2022-07-12. Review status: criteria provided, single submitter. Criteria: Invitae Variant Classification Sherloc (09022015). Collection method: clinical testing. Allele origin: germline.
Comment: In summary, the available evidence is currently insufficient to determine the role of this variant in disease. Therefore, it has been classified as a Variant of Uncertain Significance. Algorithms developed to predict the effect of missense changes on protein structure and function are either unavailable or do not agree on the potential impact of this missense change (SIFT: "Deleterious"; PolyPhen-2: "Benign"; Align-GVGD: "Class C65"). ClinVar contains an entry for this variant (Variation ID: 1504253). This variant has not been reported in the literature in individuals affected with KCND3-related conditions. This variant is not present in population databases (gnomAD no frequency). This sequence change replaces arginine, which is basic and polar, with leucine, which is neutral and non-polar, at codon 431 of the KCND3 protein (p.Arg431Leu).